The following is an entry in ClinVar:

NM_032608.7(MYO18B):c.1252G>A (p.Ala418Thr)

Gene: MYO18B (myosin XVIIIB; plus strand). Cytogenetic location: 22q12.1.
Variant type: single nucleotide variant.
Coding change: c.1252G>A on transcript NM_032608.7 (MANE Select); coding-DNA position 1252, G replaced by A.
Protein change: p.Ala418Thr; replaces alanine 418 with threonine.
Molecular consequence: missense variant.
Genome position (GRCh38, 1-based): chr22:25,769,168, G>A. VCF-style: chr22-25769168-G-A. GRCh37 (hg19) VCF-style: chr22-26165135-G-A.
Other names: c.1252G>A, p.Ala418Thr (NM_001318245.2); short protein forms A418T.
Identifiers: ClinVar variation 1387260 (VCV001387260.6), dbSNP rs1218793100, ClinGen allele CA411004470.
Genomic context (GRCh38, chr22:25,769,168, plus strand): 5'-CCCCAGGGTAAGTCCGGGAACGCAGGTGAAGCTCGGAGTCAGACAGAGAAGGGCTGTGAA[G>A]CCCCAAAGGAGGTGAGCACAATGGTGGAGTCGCCAGCAGCTCCTGGGAAGGGAGGCTGGC-3'
Protein context (NP_115997.5, residues 408-428): ARSQTEKGCE[Ala418Thr]PKEVSTMVES

ClinVar aggregate classification (germline): Uncertain significance (1 of 4 stars; one submission).

Allele frequency attached by ClinVar (database versions not stated): gnomAD exomes below 0.00001.
gnomAD v4.1: 1 of 1,612,620 alleles (0.000062%); highest among the groups gnomAD compares: East Asian, 0.0022%; no homozygotes.

Submission:

Labcorp Genetics (formerly Invitae), Labcorp
Classification: Uncertain significance. Last evaluated: 2021-04-12. Review status: criteria provided, single submitter. Criteria: Invitae Variant Classification Sherloc (09022015). Collection method: clinical testing. Allele origin: germline.
Comment: In summary, the available evidence is currently insufficient to determine the role of this variant in disease. Therefore, it has been classified as a Variant of Uncertain Significance. Algorithms developed to predict the effect of missense changes on protein structure and function output the following: SIFT: "Not Available"; PolyPhen-2: "Benign"; Align-GVGD: "Not Available". The threonine amino acid residue is found in multiple mammalian species, suggesting that this missense change does not adversely affect protein function. These predictions have not been confirmed by published functional studies and their clinical significance is uncertain. This variant has not been reported in the literature in individuals with MYO18B-related conditions. This variant is not present in population databases (ExAC no frequency). This sequence change replaces alanine with threonine at codon 418 of the MYO18B protein (p.Ala418Thr). The alanine residue is weakly conserved and there is a small physicochemical difference between alanine and threonine.